The following is an entry in ClinVar:

NM_021922.3(FANCE):c.977T>G (p.Leu326Trp)

Gene: FANCE (FA complementation group E; plus strand). Cytogenetic location: 6p21.31.
Variant type: single nucleotide variant.
Coding change: c.977T>G on transcript NM_021922.3 (MANE Select); coding-DNA position 977, T replaced by G.
Protein change: p.Leu326Trp; replaces leucine 326 with tryptophan.
Molecular consequence: missense variant.
Genome position (GRCh38, 1-based): chr6:35,458,304, T>G. VCF-style: chr6-35458304-T-G. GRCh37 (hg19) VCF-style: chr6-35426081-T-G.
Other names: short protein forms L326W.
Identifiers: ClinVar variation 356449 (VCV000356449.15), dbSNP rs779336261, ClinGen allele CA3771571.

ClinVar aggregate classification (germline): Conflicting classifications of pathogenicity. Review status: criteria provided, conflicting classifications (1 of 4 stars). 5 submissions from 5 submitters: Likely pathogenic (1); Uncertain significance (4). Last evaluated 2024-10-02.

Conditions:
Fanconi anemia complementation group E (FANCE). Also called: FANCE-Related Fanconi Anemia. Identifiers: Orphanet 84, MedGen C3160739, MONDO:0010953, OMIM 600901.
Ovarian cancer. Also called: OVARIAN CANCER, SOMATIC. Identifiers: Orphanet 213500, MedGen C1140680, MONDO:0008170, OMIM 167000.
Fanconi anemia (FA). Also called: Fanconi's anemia. Identifiers: Orphanet 84, MedGen C0015625, MeSH D005199, MONDO:0019391.

Allele frequency attached by ClinVar (database versions not stated): gnomAD 0.00001 and 0.00005; TOPMed 0.00005; gnomAD exomes 0.00008 and 0.00013; ExAC 0.00018.
gnomAD v4.1: 122 of 1,613,956 alleles (0.0076%); highest among the groups gnomAD compares: South Asian, 0.11%; no homozygotes.

Submissions (5):

Labcorp Genetics (formerly Invitae), Labcorp
Classification: Uncertain significance for Fanconi anemia complementation group E. Last evaluated: 2024-10-02. Review status: criteria provided, single submitter. Criteria: Invitae Variant Classification Sherloc (09022015). Collection method: clinical testing. Allele origin: germline.
Comment: This sequence change replaces leucine, which is neutral and non-polar, with tryptophan, which is neutral and slightly polar, at codon 326 of the FANCE protein (p.Leu326Trp). This variant is present in population databases (rs779336261, gnomAD 0.1%). This variant has not been reported in the literature in individuals affected with FANCE-related conditions. ClinVar contains an entry for this variant (Variation ID: 356449). Invitae Evidence Modeling of protein sequence and biophysical properties (such as structural, functional, and spatial information, amino acid conservation, physicochemical variation, residue mobility, and thermodynamic stability) indicates that this missense variant is expected to disrupt FANCE protein function with a positive predictive value of 80%. In summary, the available evidence is currently insufficient to determine the role of this variant in disease. Therefore, it has been classified as a Variant of Uncertain Significance.

Laboratory of Molecular Epidemiology of Birth Defects, West China Second University Hospital, Sichuan University
Classification: Likely pathogenic for Ovarian cancer. Last evaluated: 2022-01-01. Review status: criteria provided, single submitter. Criteria: ACMG Guidelines, 2015. Collection method: clinical testing. Allele origin: germline. Affected: yes.

Fulgent Genetics
Classification: Uncertain significance for Fanconi anemia complementation group E. Last evaluated: 2021-12-31. Review status: criteria provided, single submitter. Criteria: ACMG Guidelines, 2015. Collection method: clinical testing. Allele origin: unknown.

Sema4
Classification: Uncertain significance for Fanconi anemia. Last evaluated: 2021-11-26. Review status: criteria provided, single submitter. Criteria: Sema4 Curation Guidelines. Collection method: curation. Allele origin: germline.
Comment: The FANCE c.977T>G (p.L326W) variant has not been reported in the literature to our knowledge. It was observed in 32/30614 chromosomes of the South Asian (SAS) subpopulation in the large and broad cohorts of the Genome Aggregation Database (PMID: 32461654). This variant has been reported in ClinVar (Variation ID 356449). Functional studies have not been performed, and in silico predictions of the variant's effect on protein function are inconclusive. The evidence is insufficient to meet ACMG/AMP criteria for classifying the variant as benign or pathogenic. Thus, the clinical significance of this variant is currently uncertain.

Illumina Laboratory Services, Illumina
Classification: Uncertain significance for Fanconi anemia complementation group E. Last evaluated: 2018-01-12. Review status: criteria provided, single submitter. Criteria: ICSL Variant Classification Criteria 13 December 2019. Collection method: clinical testing. Allele origin: germline.